The following is an entry in ClinVar:

NM_001134831.2(AHI1):c.2240T>G (p.Ile747Ser)

Gene: AHI1 (Abelson helper integration site 1; minus strand). Cytogenetic location: 6q23.3.
Variant type: single nucleotide variant.
Coding change: c.2240T>G on transcript NM_001134831.2 (MANE Select); coding-DNA position 2240, T replaced by G.
Protein change: p.Ile747Ser; replaces isoleucine 747 with serine.
Molecular consequence: missense variant.
Genome position (GRCh38, 1-based): chr6:135,433,053, A>C on the plus strand (T>G on the coding strand, the complement: AHI1 is on the minus strand). VCF-style: chr6-135433053-A-C. GRCh37 (hg19) VCF-style: chr6-135754191-A-C.
Other names: c.2240T>G, p.Ile747Ser (NM_001134830.2, NM_001134832.2, NM_001350503.2 and 2 more transcripts); short protein forms I747S.
Identifiers: ClinVar variation 960393 (VCV000960393.10), dbSNP rs1784889346, ClinGen allele CA365743406.

ClinVar aggregate classification (germline): Uncertain significance (1 of 4 stars; one submission).

Conditions:
Joubert syndrome. Also called: Familial aplasia of the vermis; CEREBELLOPARENCHYMAL DISORDER IV; JOUBERT-BOLTSHAUSER SYNDROME. Identifiers: Orphanet 475, MedGen C5979921, MONDO:0018772.

Submission:

Labcorp Genetics (formerly Invitae), Labcorp
Classification: Uncertain significance for Joubert syndrome. Last evaluated: 2025-04-17. Review status: criteria provided, single submitter. Criteria: Invitae Variant Classification Sherloc (09022015). Collection method: clinical testing. Allele origin: germline.
Comment: This sequence change replaces isoleucine, which is neutral and non-polar, with serine, which is neutral and polar, at codon 747 of the AHI1 protein (p.Ile747Ser). This variant is not present in population databases (gnomAD no frequency). This variant has not been reported in the literature in individuals affected with AHI1-related conditions. ClinVar contains an entry for this variant (Variation ID: 960393). Invitae Evidence Modeling of protein sequence and biophysical properties (such as structural, functional, and spatial information, amino acid conservation, physicochemical variation, residue mobility, and thermodynamic stability) indicates that this missense variant is expected to disrupt AHI1 protein function with a positive predictive value of 95%. In summary, the available evidence is currently insufficient to determine the role of this variant in disease. Therefore, it has been classified as a Variant of Uncertain Significance.